The following is an entry in ClinVar:

NM_018062.4(FANCL):c.478G>A (p.Ala160Thr)

Gene: FANCL (FA complementation group L; minus strand). Cytogenetic location: 2p16.1.
Variant type: single nucleotide variant.
Coding change: c.478G>A on transcript NM_018062.4 (MANE Select); coding-DNA position 478, G replaced by A.
Protein change: p.Ala160Thr; replaces alanine 160 with threonine.
Molecular consequence: missense variant.
Genome position (GRCh38, 1-based): chr2:58,198,656, C>T on the plus strand (G>A on the coding strand, the complement: FANCL is on the minus strand). VCF-style: chr2-58198656-C-T. GRCh37 (hg19) VCF-style: chr2-58425791-C-T.
Other names: c.478G>A, p.Ala160Thr (NM_001114636.2, NM_001374615.1, NM_001410792.1); short protein forms A160T.
Identifiers: ClinVar variation 1691888 (VCV001691888.4), dbSNP rs2105101201, ClinGen allele CA347033986.

ClinVar aggregate classification (germline): Uncertain significance. Review status: criteria provided, multiple submitters, no conflicts (2 of 4 stars). 2 submissions from 2 submitters: Uncertain significance (2). Last evaluated 2023-07-19.

Conditions:
Fanconi anemia (FA). Also called: Fanconi's anemia. Identifiers: Orphanet 84, MedGen C0015625, MeSH D005199, MONDO:0019391.

Submissions (2):

Labcorp Genetics (formerly Invitae), Labcorp
Classification: Uncertain significance for Fanconi anemia. Last evaluated: 2023-07-19. Review status: criteria provided, single submitter. Criteria: Invitae Variant Classification Sherloc (09022015). Collection method: clinical testing. Allele origin: germline.
Comment: In summary, the available evidence is currently insufficient to determine the role of this variant in disease. Therefore, it has been classified as a Variant of Uncertain Significance. Advanced modeling of protein sequence and biophysical properties (such as structural, functional, and spatial information, amino acid conservation, physicochemical variation, residue mobility, and thermodynamic stability) performed at Invitae indicates that this missense variant is not expected to disrupt FANCL protein function. ClinVar contains an entry for this variant (Variation ID: 1691888). This variant has not been reported in the literature in individuals affected with FANCL-related conditions. This variant is not present in population databases (gnomAD no frequency). This sequence change replaces alanine, which is neutral and non-polar, with threonine, which is neutral and polar, at codon 160 of the FANCL protein (p.Ala160Thr).

Sema4
Classification: Uncertain significance for Fanconi anemia. Last evaluated: 2021-04-30. Review status: criteria provided, single submitter. Criteria: Sema4 Curation Guidelines. Collection method: curation. Allele origin: germline.
Comment: The FANCL c.478G>A (p.A160T) variant has not been reported in the literature to our knowledge. It was not observed in the large and broad cohorts of the Genome Aggregation Database (PMID: 32461654). The variant has not been reported in ClinVar. In silico tools suggest the impact of the variant on protein function is benign, though these predictions have not been confirmed by functional studies. The evidence is insufficient to meet ACMG/AMP criteria for classifying the variant as benign or pathogenic. Thus, the clinical significance of this variant is currently uncertain.